The following is an entry in ClinVar:

NM_019597.5(HNRNPH2):c.48G>A (p.Arg16=)

Genes: HNRNPH2 (heterogeneous nuclear ribonucleoprotein H2; plus strand), RPL36A-HNRNPH2 (RPL36A-HNRNPH2 readthrough; plus strand). Cytogenetic location: Xq22.1.
Variant type: single nucleotide variant.
Coding change: c.48G>A on transcript NM_019597.5 (MANE Select); coding-DNA position 48, G replaced by A.
Protein change: p.Arg16=; no amino-acid change (arginine 16 retained).
Molecular consequence: synonymous variant. On other transcripts: 3 prime UTR variant (2).
Genome position (GRCh38, 1-based): chrX:101,412,036, G>A. VCF-style: chrX-101412036-G-A. GRCh37 (hg19) VCF-style: chrX-100667024-G-A.
Other names: c.*44G>A (NM_001199973.2, NM_001199974.2); c.48G>A, p.Arg16= (NM_001032393.3).
Identifiers: ClinVar variation 3046575 (VCV003046575.9), dbSNP rs782006919, ClinGen allele CA10473444.

ClinVar aggregate classification (germline): Likely benign. Review status: criteria provided, single submitter (1 of 4 stars). 2 submissions from 2 submitters: Likely benign (1). 1 of the submissions does not count toward it. Last evaluated 2025-03-01.

Conditions:
HNRNPH2-related disorder. Also called: HNRNPH2-related condition.

Allele frequency attached by ClinVar (database versions not stated): gnomAD 0.00003; gnomAD exomes 0.00003; TOPMed 0.00003; ExAC 0.00006.
gnomAD v4.1: 34 of 1,207,642 alleles (0.0028%); highest among the groups gnomAD compares: Middle Eastern, 0.023%; no homozygotes.

Submissions (2):

CeGaT Center for Human Genetics Tuebingen
Classification: Likely benign. Last evaluated: 2025-03-01. Review status: criteria provided, single submitter. Criteria: CeGaT Center For Human Genetics Tuebingen Variant Classification Criteria Version 2. Collection method: clinical testing. Allele origin: germline. Affected: yes. Observed: 1 variant allele.
Comment: HNRNPH2: BP4, BS2

PreventionGenetics, part of Exact Sciences
Classification: Likely benign for HNRNPH2-related condition. Last evaluated: 2019-03-08. Review status: no assertion criteria provided. Collection method: clinical testing. Allele origin: germline. Not counted in ClinVar's aggregate classification.
Comment: This variant is classified as likely benign based on ACMG/AMP sequence variant interpretation guidelines (Richards et al. 2015 PMID: 25741868, with internal and published modifications).